The following is an entry in ClinVar:

NM_198827.5(ADGRD1):c.2508G>A (p.Ala836=)

Gene: ADGRD1 (adhesion G protein-coupled receptor D1; plus strand). Cytogenetic location: 12q24.33.
Variant type: single nucleotide variant.
Coding change: c.2508G>A on transcript NM_198827.5 (MANE Select); coding-DNA position 2508, G replaced by A.
Protein change: p.Ala836=; no amino-acid change (alanine 836 retained).
Molecular consequence: synonymous variant.
Genome position (GRCh38, 1-based): chr12:131,138,208, G>A. VCF-style: chr12-131138208-G-A. GRCh37 (hg19) VCF-style: chr12-131622753-G-A.
Other names: c.2604G>A, p.Ala868= (NM_001330497.2).
Identifiers: ClinVar variation 2643600 (VCV002643600.24), dbSNP rs144740398, ClinGen allele CA6880560.

ClinVar aggregate classification (germline): Likely benign (1 of 4 stars; one submission).

Allele frequency attached by ClinVar (database versions not stated): 1000 Genomes Project 30x 0.00078; 1000 Genomes Project 0.00100; TOPMed 0.00117; gnomAD 0.00128; ESP Exome Variant Server 0.00138; ExAC 0.00164; gnomAD exomes 0.00221.
gnomAD v4.1: 3,414 of 1,613,346 alleles (0.21%); highest among the groups gnomAD compares: Middle Eastern, 0.25%; 4 homozygotes.

Submission:

CeGaT Center for Human Genetics Tuebingen
Classification: Likely benign. Last evaluated: 2022-10-01. Review status: criteria provided, single submitter. Criteria: CeGaT Center For Human Genetics Tuebingen Variant Classification Criteria Version 2. Collection method: clinical testing. Allele origin: germline. Affected: yes. Observed: 1 variant allele.
Comment: ADGRD1: BP4, BP7